The following is an entry in ClinVar:

NM_001378778.1(MPDZ):c.658A>C (p.Ile220Leu)

Gene: MPDZ (multiple PDZ domain crumbs cell polarity complex component; minus strand). Cytogenetic location: 9p23.
Variant type: single nucleotide variant.
Coding change: c.658A>C on transcript NM_001378778.1 (MANE Select); coding-DNA position 658, A replaced by C.
Protein change: p.Ile220Leu; replaces isoleucine 220 with leucine.
Molecular consequence: missense variant.
Genome position (GRCh38, 1-based): chr9:13,222,322, T>G on the plus strand (A>C on the coding strand, the complement: MPDZ is on the minus strand). VCF-style: chr9-13222322-T-G. GRCh37 (hg19) VCF-style: chr9-13222321-T-G.
Other names: c.658A>C, p.Ile220Leu (NM_001261406.2, NM_001261407.2, NM_001330637.2 and 14 more transcripts); short protein forms I220L.
Identifiers: ClinVar variation 788299 (VCV000788299.14), dbSNP rs61753787, ClinGen allele CA4988053.

ClinVar aggregate classification (germline): Benign. Review status: criteria provided, multiple submitters, no conflicts (2 of 4 stars). 3 submissions from 3 submitters: Benign (2). 1 of the submissions does not count toward it. Last evaluated 2025-12-13.

Conditions:
MPDZ-related disorder. Also called: MPDZ-related condition.

Allele frequency attached by ClinVar (database versions not stated): ESP Exome Variant Server 0.00154; TOPMed 0.00235; 1000 Genomes Project 30x 0.00312; 1000 Genomes Project 0.00319.
gnomAD v4.1: 721 of 1,613,022 alleles (0.045%); highest among the groups gnomAD compares: African/African-American, 0.71%; 4 homozygotes.

Submissions (3):

Labcorp Genetics (formerly Invitae), Labcorp
Classification: Benign. Last evaluated: 2025-12-13. Review status: criteria provided, single submitter. Criteria: Invitae Variant Classification Sherloc (09022015). Collection method: clinical testing. Allele origin: germline.

Breakthrough Genomics
Classification: Benign. Review status: criteria provided, single submitter. Criteria: ACMG Guidelines, 2015. Collection method: not provided. Allele origin: germline. Inheritance: Autosomal recessive inheritance. Affected: yes.

PreventionGenetics, part of Exact Sciences
Classification: Likely benign for MPDZ-related condition. Last evaluated: 2020-02-06. Review status: no assertion criteria provided. Collection method: clinical testing. Allele origin: germline. Not counted in ClinVar's aggregate classification.
Comment: This variant is classified as likely benign based on ACMG/AMP sequence variant interpretation guidelines (Richards et al. 2015 PMID: 25741868, with internal and published modifications).